The following is an entry in ClinVar:

ClinVar aggregate classification (germline): Uncertain significance. Review status: criteria provided, multiple submitters, no conflicts (2 of 4 stars). 2 submissions from 2 submitters: Uncertain significance (2). Last evaluated 2024-12-20.

Conditions:
Parathyroid carcinoma (PRTC). Also called: Parathyroid gland carcinoma; CDC73-Related Parathyroid Carcinoma. Identifiers: Orphanet 143, MedGen C0687150, MONDO:0012004, OMIM 608266, HP:0006780.
Hereditary cancer-predisposing syndrome. Also called: Hereditary neoplastic syndrome; Neoplastic Syndromes, Hereditary; Tumor predisposition; Hereditary Cancer Syndrome. Identifiers: Orphanet 140162, MedGen C0027672, MeSH D009386, MONDO:0015356.

Allele frequency attached by ClinVar (database versions not stated): gnomAD exomes below 0.00001.

Submissions (2):

Ambry Genetics
Classification: Uncertain significance for Hereditary cancer-predisposing syndrome. Last evaluated: 2024-12-20. Review status: criteria provided, single submitter. Criteria: Ambry Variant Classification Scheme 2023. Collection method: clinical testing. Allele origin: germline.
Comment: The p.D390H variant (also known as c.1168G>C), located in coding exon 14 of the CDC73 gene, results from a G to C substitution at nucleotide position 1168. The aspartic acid at codon 390 is replaced by histidine, an amino acid with similar properties. This amino acid position is conserved. In addition, the in silico prediction for this alteration is inconclusive. Based on the available evidence, the clinical significance of this variant remains unclear.

Labcorp Genetics (formerly Invitae), Labcorp
Classification: Uncertain significance for Parathyroid carcinoma. Last evaluated: 2020-12-09. Review status: criteria provided, single submitter. Criteria: Invitae Variant Classification Sherloc (09022015). Collection method: clinical testing. Allele origin: germline.
Comment: This sequence change replaces aspartic acid with histidine at codon 390 of the CDC73 protein (p.Asp390His). The aspartic acid residue is moderately conserved and there is a moderate physicochemical difference between aspartic acid and histidine. In summary, the available evidence is currently insufficient to determine the role of this variant in disease. Therefore, it has been classified as a Variant of Uncertain Significance. Algorithms developed to predict the effect of missense changes on protein structure and function are either unavailable or do not agree on the potential impact of this missense change (SIFT: "Deleterious"; PolyPhen-2: "Possibly Damaging"; Align-GVGD: "Class C0"). This variant has not been reported in the literature in individuals with CDC73-related conditions. This variant is not present in population databases (ExAC no frequency).

NM_024529.5(CDC73):c.1168G>C (p.Asp390His)

Gene: CDC73 (cell division cycle 73; plus strand). Cytogenetic location: 1q31.2.
Variant type: single nucleotide variant.
Coding change: c.1168G>C on transcript NM_024529.5 (MANE Select); coding-DNA position 1168, G replaced by C.
Protein change: p.Asp390His; replaces aspartic acid 390 with histidine.
Molecular consequence: missense variant.
Genome position (GRCh38, 1-based): chr1:193,233,006, G>C. VCF-style: chr1-193233006-G-C. GRCh37 (hg19) VCF-style: chr1-193202136-G-C.
Other names: short protein forms D390H.
Identifiers: ClinVar variation 947030 (VCV000947030.11), dbSNP rs1677687568, ClinGen allele CA344077733.